The following is an entry in ClinVar:

ClinVar aggregate classification (germline): Benign. Review status: criteria provided, single submitter (1 of 4 stars). 2 submissions from 2 submitters: Benign (1). 1 of the submissions does not count toward it. Last evaluated 2018-01-13.

Conditions:
KRT13-related disorder. Also called: KRT13-related condition.
White sponge nevus 2 (WSN2). Identifiers: MedGen C4014321, MONDO:0014346, OMIM 615785.

Allele frequency attached by ClinVar (database versions not stated): gnomAD 0.00003 and 0.00011; TOPMed 0.00006; gnomAD exomes 0.00036; ExAC 0.00044; 1000 Genomes Project 30x 0.00062; 1000 Genomes Project 0.00080.
gnomAD v4.1: 317 of 1,613,464 alleles (0.02%); highest among the groups gnomAD compares: South Asian, 0.28%; no homozygotes.

Submissions (2):

Illumina Laboratory Services, Illumina
Classification: Benign for White sponge nevus 2. Last evaluated: 2018-01-13. Review status: criteria provided, single submitter. Criteria: ICSL Variant Classification Criteria 13 December 2019. Collection method: clinical testing. Allele origin: germline.
Comment: This variant was observed in the ICSL laboratory as part of a predisposition screen in an ostensibly healthy population. It had not been previously curated by ICSL or reported in the Human Gene Mutation Database (HGMD: prior to June 1st, 2018), and was therefore a candidate for classification through an automated scoring system. Utilizing variant allele frequency, disease prevalence and penetrance estimates, and inheritance mode, an automated score was calculated to assess if this variant is too frequent to cause the disease. Based on the score and internal cut-off values, a variant classified as benign is not then subjected to further curation. The score for this variant resulted in a classification of benign for this disease.

PreventionGenetics, part of Exact Sciences
Classification: Likely benign for KRT13-related condition. Last evaluated: 2020-08-07. Review status: no assertion criteria provided. Collection method: clinical testing. Allele origin: germline. Not counted in ClinVar's aggregate classification.
Comment: This variant is classified as likely benign based on ACMG/AMP sequence variant interpretation guidelines (Richards et al. 2015 PMID: 25741868, with internal and published modifications).

NM_153490.3(KRT13):c.1028C>T (p.Ala343Val)

Gene: KRT13 (keratin 13; minus strand). Cytogenetic location: 17q21.2.
Variant type: single nucleotide variant.
Coding change: c.1028C>T on transcript NM_153490.3 (MANE Select); coding-DNA position 1028, C replaced by T.
Protein change: p.Ala343Val; replaces alanine 343 with valine.
Molecular consequence: missense variant.
Genome position (GRCh38, 1-based): chr17:41,502,590, G>A on the plus strand (C>T on the coding strand, the complement: KRT13 is on the minus strand). VCF-style: chr17-41502590-G-A. GRCh37 (hg19) VCF-style: chr17-39658842-G-A.
Other names: c.1028C>T, p.Ala343Val (NM_002274.4); short protein forms A343V.
Identifiers: ClinVar variation 323080 (VCV000323080.7), dbSNP rs199762312, ClinGen allele CA8560533.